The following is an entry in ClinVar:

NM_001963.6(EGF):c.80G>C (p.Ser27Thr)

Gene: EGF (epidermal growth factor; plus strand). Cytogenetic location: 4q25.
Variant type: single nucleotide variant.
Coding change: c.80G>C on transcript NM_001963.6 (MANE Select); coding-DNA position 80, G replaced by C.
Protein change: p.Ser27Thr; replaces serine 27 with threonine.
Molecular consequence: missense variant.
Genome position (GRCh38, 1-based): chr4:109,913,415, G>C. VCF-style: chr4-109913415-G-C. GRCh37 (hg19) VCF-style: chr4-110834571-G-C.
Other names: c.80G>C, p.Ser27Thr (NM_001178130.3, NM_001178131.3, NM_001357021.2); short protein forms S27T.
Identifiers: ClinVar variation 4715682 (VCV004715682.1).

ClinVar aggregate classification (germline): Uncertain significance (1 of 4 stars; one submission).

Submission:

Labcorp Genetics (formerly Invitae), Labcorp
Classification: Uncertain significance. Last evaluated: 2025-03-22. Review status: criteria provided, single submitter. Criteria: Invitae Variant Classification Sherloc (09022015). Collection method: clinical testing. Allele origin: germline.
Comment: This sequence change replaces serine, which is neutral and polar, with threonine, which is neutral and polar, at codon 27 of the EGF protein (p.Ser27Thr). This variant is not present in population databases (gnomAD no frequency). This variant has not been reported in the literature in individuals affected with EGF-related conditions. An algorithm developed to predict the effect of missense changes on protein structure and function (PolyPhen-2) suggests that this variant is likely to be tolerated. In summary, the available evidence is currently insufficient to determine the role of this variant in disease. Therefore, it has been classified as a Variant of Uncertain Significance.